The following is an entry in ClinVar:

NM_000350.3(ABCA4):c.5537T>C (p.Ile1846Thr)

Gene: ABCA4 (ATP binding cassette subfamily A member 4; minus strand). Cytogenetic location: 1p22.1.
Variant type: single nucleotide variant.
Coding change: c.5537T>C on transcript NM_000350.3 (MANE Select); coding-DNA position 5537, T replaced by C.
Protein change: p.Ile1846Thr; replaces isoleucine 1846 with threonine.
Molecular consequence: missense variant.
Genome position (GRCh38, 1-based): chr1:94,011,309, A>G on the plus strand (T>C on the coding strand, the complement: ABCA4 is on the minus strand). VCF-style: chr1-94011309-A-G. GRCh37 (hg19) VCF-style: chr1-94476865-A-G.
Other names: c.5315T>C, p.Ile1772Thr (NM_001425324.1); short protein forms I1846T, I1772T.
Identifiers: ClinVar variation 99383 (VCV000099383.15), dbSNP rs61750575, ClinGen allele CA227317.

ClinVar aggregate classification (germline): Pathogenic/Likely pathogenic. Review status: criteria provided, multiple submitters, no conflicts (2 of 4 stars). 7 submissions from 7 submitters: Pathogenic (4); Likely pathogenic (2). 1 of the submissions does not count toward it. Last evaluated 2025-12-08.

Conditions:
ABCA4-related disorder. Also called: ABCA4-related condition; ABCA4-related disorders. Identifiers: MedGen CN239167.
Cone-rod dystrophy 3 (CORD3). Identifiers: Orphanet 1872, MedGen C1858806, MONDO:0011395, OMIM 604116.
Age related macular degeneration 2. Also called: MACULAR DEGENERATION, SENILE; MACULOPATHY, AGE-RELATED, 2; MACULOPATHY, AGE-RELATED. Identifiers: MedGen C3495438, MONDO:0007932, OMIM 153800.
Retinitis pigmentosa 19 (RP19). Also called: ABCA4-Related Retinitis Pigmentosa. Identifiers: Orphanet 791, MedGen C1866422, MONDO:0011137, OMIM 601718.
Severe early-childhood-onset retinal dystrophy (STGD1). Also called: MACULAR DYSTROPHY WITH FLECKS, TYPE 1; STGD; Stargardt disease 1; Stargardt macular dystrophy; Juvenile onset macular degeneration. Identifiers: Orphanet 364055, Orphanet 827, MedGen C1855465, MeSH D000080362, MONDO:0009549, OMIM 248200.
Stargardt disease (FFM). Also called: Fundus flavimaculatus; Stargardt's disease. Identifiers: Orphanet 827, MedGen C0271093, MONDO:0019353.

Allele frequency attached by ClinVar (database versions not stated): gnomAD 0.00001; gnomAD exomes 0.00001 and 0.00002; ExAC 0.00002; TOPMed 0.00001.
gnomAD v4.1: 20 of 1,613,982 alleles (0.0012%); highest among the groups gnomAD compares: East Asian, 0.0022%; no homozygotes.

Submissions (7):

Labcorp Genetics (formerly Invitae), Labcorp
Classification: Pathogenic. Last evaluated: 2025-12-08. Review status: criteria provided, single submitter. Criteria: Invitae Variant Classification Sherloc (09022015). Collection method: clinical testing. Allele origin: germline.
Comment: This sequence change replaces isoleucine, which is neutral and non-polar, with threonine, which is neutral and polar, at codon 1846 of the ABCA4 protein (p.Ile1846Thr). This variant is present in population databases (rs61750575, gnomAD 0.006%). This missense change has been observed in individual(s) with Stargardt disease (PMID: 10090887, 23143460, 28355279; internal data). In at least one individual the data is consistent with being in trans (on the opposite chromosome) from a pathogenic variant. ClinVar contains an entry for this variant (Variation ID: 99383). Invitae Evidence Modeling of protein sequence and biophysical properties (such as structural, functional, and spatial information, amino acid conservation, physicochemical variation, residue mobility, and thermodynamic stability) indicates that this missense variant is expected to disrupt ABCA4 protein function with a positive predictive value of 95%. For these reasons, this variant has been classified as Pathogenic.

PreventionGenetics, part of Exact Sciences
Classification: Likely pathogenic for ABCA4-related condition. Last evaluated: 2025-03-19. Review status: criteria provided, single submitter. Criteria: ACMG Guidelines, 2015. Collection method: clinical testing. Allele origin: germline.
Comment: The ABCA4 c.5537T>C variant is predicted to result in the amino acid substitution p.Ile1846Thr. This variant has been reported along with a second ABCA4 variant in individuals with retinal disease (Maugeri et al. 1999. PubMed ID: 10090887; Downes et al. 2012. PubMed ID: 23143460; Lambertus et al. 2017. PubMed ID: 28355279; Table S2, Weisschuh et al. 2020. PubMed ID: 32531858). The ABCA4 variants were confirmed to be in the compound heterozygous state in at least one individual (Downes et al. 2012. PubMed ID: 23143460). This variant is present in 0.0054% of alleles in individuals of East Asian descent in gnomAD. A study comparing the allele frequency in patients and the general population has classified this variant as having a mild/moderate severity (Table S2A, Cornelis et al. 2022. PubMed ID: 35120629). This variant is interpreted as likely pathogenic.

Blueprint Genetics
Classification: Pathogenic for ABCA4-related disorders. Last evaluated: 2024-10-23. Review status: criteria provided, single submitter. Criteria: ACMG Guidelines, 2015. Collection method: clinical testing. Allele origin: germline. Affected: yes. Observed: 5 variant alleles.

Fulgent Genetics
Classification: Pathogenic for Age related macular degeneration 2; Severe early-childhood-onset retinal dystrophy; Retinitis pigmentosa 19; Cone-rod dystrophy 3. Last evaluated: 2024-05-16. Review status: criteria provided, single submitter. Criteria: ACMG Guidelines, 2015. Collection method: clinical testing. Allele origin: germline.

Women's Health and Genetics/Laboratory Corporation of America, LabCorp
Classification: Pathogenic for Stargardt disease. Last evaluated: 2024-05-16. Review status: criteria provided, single submitter. Criteria: LabCorp Variant Classification Summary - May 2015. Collection method: clinical testing. Allele origin: germline.
Comment: Variant summary: ABCA4 c.5537T>C (p.Ile1846Thr) results in a non-conservative amino acid change in the encoded protein sequence. Five of five in-silico tools predict a damaging effect of the variant on protein function. The variant allele was found at a frequency of 2e-05 in 251392 control chromosomes (gnomAD). c.5537T>C has been reported in the literature in multiple individuals affected with Stargardt Disease (e.g. Valkenburg_2019, Bax_2019). These data indicate that the variant is very likely to be associated with disease. To our knowledge, no experimental evidence demonstrating an impact on protein function has been reported. The following publications have been ascertained in the context of this evaluation (PMID: 31522899, 30903310). ClinVar contains an entry for this variant (Variation ID: 99383). Based on the evidence outlined above, the variant was classified as pathogenic.

3billion
Classification: Likely pathogenic for Cone-rod dystrophy 3. Last evaluated: 2023-02-23. Review status: criteria provided, single submitter. Criteria: ACMG Guidelines, 2015. Collection method: clinical testing. Allele origin: unknown. Affected: yes.
Comment: The variant is observed at an extremely low frequency in the gnomAD v2.1.1 dataset (total allele frequency: 0.002%). In silico tool predictions suggest damaging effect of the variant on gene or gene product (REVEL: 0.95; 3Cnet: 0.99). Same nucleotide change resulting in same amino acid change has been previously reported as pathogenic/likely pathogenic (ClinVar ID: VCV000099383). Therefore, this variant is classified as Likely pathogenic according to the recommendation of ACMG/AMP guideline.

Retina International
No classification provided. Review status: no classification provided. Collection method: not provided. Allele origin: not provided. Not counted in ClinVar's aggregate classification.

Literature cited by the submitters: PubMed 10090887 (cited by Labcorp Genetics (formerly Invitae), Labcorp); PubMed 23143460 (cited by Labcorp Genetics (formerly Invitae), Labcorp); PubMed 28355279 (cited by Labcorp Genetics (formerly Invitae), Labcorp); PubMed 30903310 (cited by Women's Health and Genetics/Laboratory Corporation of America, LabCorp); PubMed 31522899 (cited by Women's Health and Genetics/Laboratory Corporation of America, LabCorp).